The following is an entry in ClinVar:

ClinVar aggregate classification (germline): Likely benign (1 of 4 stars; one submission).

Conditions:
LRRC45-related disorder. Also called: LRRC45-related condition.

gnomAD v4.1: 1 of 1,547,994 alleles (0.000065%); highest among the groups gnomAD compares: Non-Finnish European, 0.000087%; no homozygotes.

Submission:

PreventionGenetics, part of Exact Sciences
Classification: Likely benign for LRRC45-related condition. Last evaluated: 2025-09-24. Review status: criteria provided, single submitter. Criteria: ACMG Guidelines, 2015. Collection method: clinical testing. Allele origin: germline.
Comment: This variant is classified as likely benign based on ACMG/AMP sequence variant interpretation guidelines (Richards et al. 2015 PMID: 25741868, with internal and published modifications).

NM_144999.4(LRRC45):c.1560G>A (p.Gln520=)

Gene: LRRC45 (leucine rich repeat containing 45; plus strand). Cytogenetic location: 17q25.3.
Variant type: single nucleotide variant.
Coding change: c.1560G>A on transcript NM_144999.4 (MANE Select); coding-DNA position 1560, G replaced by A.
Protein change: p.Gln520=; no amino-acid change (glutamine 520 retained).
Molecular consequence: synonymous variant.
Genome position (GRCh38, 1-based): chr17:82,030,130, G>A. VCF-style: chr17-82030130-G-A. GRCh37 (hg19) VCF-style: chr17-79988006-G-A.
Identifiers: ClinVar variation 4984028 (VCV004984028.1).